The following is an entry in ClinVar:

ClinVar aggregate classification (germline): Pathogenic (1 of 4 stars; one submission).

Conditions:
Episodic ataxia type 2 (EA2). Also called: CEREBELLAR ATAXIA, PAROXYSMAL, ACETAZOLAMIDE-RESPONSIVE; CEREBELLOPATHY, HEREDITARY PAROXYSMAL; EPISODIC ATAXIA, NYSTAGMUS-ASSOCIATED; ACETAZOLAMIDE-RESPONSIVE HEREDITARY PAROXYSMAL CEREBELLAR ATAXIA; ATAXIA, EPISODIC, WITH NYSTAGMUS; ATAXIA, FAMILIAL PAROXYSMAL. Identifiers: Orphanet 97, MedGen C1720416, MONDO:0007163, OMIM 108500.
Developmental and epileptic encephalopathy, 42 (DEE42A). Also called: Epileptic encephalopathy, early infantile, 42; DEVELOPMENTAL AND EPILEPTIC ENCEPHALOPATHY 42A; EPILEPTIC ENCEPHALOPATHY, EARLY INFANTILE, 42A. Identifiers: MedGen C4310716, MONDO:0014917, OMIM 617106.

Submission:

Labcorp Genetics (formerly Invitae), Labcorp
Classification: Pathogenic for Developmental and epileptic encephalopathy, 42; Episodic ataxia type 2. Last evaluated: 2023-12-06. Review status: criteria provided, single submitter. Criteria: Invitae Variant Classification Sherloc (09022015). Collection method: clinical testing. Allele origin: germline.
Comment: This sequence change creates a premature translational stop signal (p.Thr543Argfs*29) in the CACNA1A gene. It is expected to result in an absent or disrupted protein product. Loss-of-function variants in CACNA1A are known to be pathogenic (PMID: 10371528, 19486177, 25735478, 27250579). This variant is not present in population databases (gnomAD no frequency). This variant has not been reported in the literature in individuals affected with CACNA1A-related conditions. For these reasons, this variant has been classified as Pathogenic.

Literature cited by the submitters: PubMed 10371528; PubMed 19486177; PubMed 25735478; PubMed 27250579.

NM_001127222.2(CACNA1A):c.1617del (p.Thr542fs)

Gene: CACNA1A (calcium voltage-gated channel subunit alpha1 A; minus strand). Cytogenetic location: 19p13.13.
Variant type: Deletion.
Coding change: c.1617del on transcript NM_001127222.2 (MANE Select); coding-DNA position 1617, one base deleted (G; older notation c.1617delG).
Protein change: p.Thr542fs; shifts the reading frame from threonine 542.
Molecular consequence: frameshift variant.
Genome position (GRCh38, 1-based): chr19:13,312,720, C deleted on the plus strand (G on the coding strand, the reverse complement: CACNA1A is on the minus strand); the first of 3 consecutive C bases (chr19:13,312,720-13,312,722); deleting any one gives the same sequence. VCF-style (leftmost placement, unchanged base first): chr19-13312719-GC-G. GRCh37 (hg19) VCF-style: chr19-13423533-GC-G.
Other names: c.1620del, p.Thr543fs (NM_000068.4, NM_001127221.2, NM_001174080.2 and 1 more transcripts); short protein forms T542fs, T543fs.
Identifiers: ClinVar variation 2936090 (VCV002936090.3), dbSNP rs2512966835, ClinGen allele CA2740091960.